The following is an entry in ClinVar:

ClinVar aggregate classification (germline): Uncertain significance. Review status: criteria provided, multiple submitters, no conflicts (2 of 4 stars). 3 submissions from 3 submitters: Uncertain significance (3). Last evaluated 2025-04-03.

Conditions:
Autosomal recessive limb-girdle muscular dystrophy type R18 (LGMDR18). Also called: MUSCULAR DYSTROPHY, LIMB-GIRDLE, AUTOSOMAL RECESSIVE 18; Autosomal recessive limb-girdle muscular dystrophy type 2S; Limb-girdle muscular dystrophy, type 2S. Identifiers: Orphanet 369840, MedGen C4517996, MONDO:0014144, OMIM 615356.
Inborn genetic diseases. Identifiers: MedGen C0950123, MeSH D030342.

gnomAD v4.1: 11 of 1,603,506 alleles (0.00069%); highest among the groups gnomAD compares: African/African-American, 0.015%; no homozygotes.

Submissions (3):

Ambry Genetics
Classification: Uncertain significance for Inborn genetic diseases. Last evaluated: 2025-04-03. Review status: criteria provided, single submitter. Criteria: Ambry Variant Classification Scheme 2023. Collection method: clinical testing. Allele origin: germline.

Labcorp Genetics (formerly Invitae), Labcorp
Classification: Uncertain significance for Autosomal recessive limb-girdle muscular dystrophy type R18. Last evaluated: 2024-06-26. Review status: criteria provided, single submitter. Criteria: Invitae Variant Classification Sherloc (09022015). Collection method: clinical testing. Allele origin: germline.
Comment: This sequence change replaces valine, which is neutral and non-polar, with isoleucine, which is neutral and non-polar, at codon 892 of the TRAPPC11 protein (p.Val892Ile). This variant is present in population databases (rs369077324, gnomAD 0.01%). This variant has not been reported in the literature in individuals affected with TRAPPC11-related conditions. Advanced modeling of protein sequence and biophysical properties (such as structural, functional, and spatial information, amino acid conservation, physicochemical variation, residue mobility, and thermodynamic stability) performed at Invitae indicates that this missense variant is not expected to disrupt TRAPPC11 protein function with a negative predictive value of 80%. In summary, the available evidence is currently insufficient to determine the role of this variant in disease. Therefore, it has been classified as a Variant of Uncertain Significance.

Revvity Omics, Revvity
Classification: Uncertain significance for Autosomal recessive limb-girdle muscular dystrophy type R18. Last evaluated: 2023-10-17. Review status: criteria provided, single submitter. Criteria: ACMG Guidelines, 2015. Collection method: clinical testing. Allele origin: germline.

NM_021942.6(TRAPPC11):c.2674G>A (p.Val892Ile)

Gene: TRAPPC11 (trafficking protein particle complex subunit 11; plus strand). Cytogenetic location: 4q35.1.
Variant type: single nucleotide variant.
Coding change: c.2674G>A on transcript NM_021942.6 (MANE Select); coding-DNA position 2674, G replaced by A.
Protein change: p.Val892Ile; replaces valine 892 with isoleucine.
Molecular consequence: missense variant.
Genome position (GRCh38, 1-based): chr4:183,697,548, G>A. VCF-style: chr4-183697548-G-A. GRCh37 (hg19) VCF-style: chr4-184618701-G-A.
Other names: c.2674G>A, p.Val892Ile (NM_199053.3); c.2674G>A (NM_021942.4); short protein forms V892I.
Identifiers: ClinVar variation 3669505 (VCV003669505.3).